The following is an entry in ClinVar:

ClinVar aggregate classification (germline): Uncertain significance (1 of 4 stars; one submission).

Conditions:
Agammaglobulinemia 7, autosomal recessive (AGM7). Also called: AGAMMAGLOBULINEMIA, AUTOSOMAL RECESSIVE, DUE TO PIK3R1 DEFECT. Identifiers: MedGen C3554689, MONDO:0014083, OMIM 615214.
Immunodeficiency 36 with lymphoproliferation. Also called: Immunodeficiency 36; ACTIVATED PI3K-DELTA SYNDROME 2; Activated PI3K Delta Syndrome Type 2 (APDS2). Identifiers: Orphanet 397596, Orphanet 693681, MedGen C4014934, MONDO:0014453, OMIM 616005.
SHORT syndrome. Also called: SHORT STATURE, HYPEREXTENSIBILITY, HERNIA, OCULAR DEPRESSION, RIEGER ANOMALY, AND TEETHING DELAY; LIPODYSTROPHY, PARTIAL, WITH RIEGER ANOMALY AND SHORT STATURE; PIK3R1-Related SHORT Syndrome. Identifiers: Orphanet 3163, MedGen C0878684, MONDO:0010026, OMIM 269880.

Submission:

Labcorp Genetics (formerly Invitae), Labcorp
Classification: Uncertain significance for SHORT syndrome; Immunodeficiency 36 with lymphoproliferation; Agammaglobulinemia 7, autosomal recessive. Last evaluated: 2024-10-07. Review status: criteria provided, single submitter. Criteria: Invitae Variant Classification Sherloc (09022015). Collection method: clinical testing. Allele origin: germline.
Comment: This sequence change replaces glutamine, which is neutral and polar, with leucine, which is neutral and non-polar, at codon 552 of the PIK3R1 protein (p.Gln552Leu). This variant is not present in population databases (gnomAD no frequency). This variant has not been reported in the literature in individuals affected with PIK3R1-related conditions. Invitae Evidence Modeling of protein sequence and biophysical properties (such as structural, functional, and spatial information, amino acid conservation, physicochemical variation, residue mobility, and thermodynamic stability) indicates that this missense variant is not expected to disrupt PIK3R1 protein function with a negative predictive value of 80%. In summary, the available evidence is currently insufficient to determine the role of this variant in disease. Therefore, it has been classified as a Variant of Uncertain Significance.

NM_181523.3(PIK3R1):c.1655A>T (p.Gln552Leu)

Gene: PIK3R1 (phosphoinositide-3-kinase regulatory subunit 1; plus strand). Cytogenetic location: 5q13.1.
Variant type: single nucleotide variant.
Coding change: c.1655A>T on transcript NM_181523.3 (MANE Select); coding-DNA position 1655, A replaced by T.
Protein change: p.Gln552Leu; replaces glutamine 552 with leucine.
Molecular consequence: missense variant.
Genome position (GRCh38, 1-based): chr5:68,295,234, A>T. VCF-style: chr5-68295234-A-T. GRCh37 (hg19) VCF-style: chr5-67591062-A-T.
Other names: c.566A>T, p.Gln189Leu (NM_001242466.2); c.845A>T, p.Gln282Leu (NM_181504.4); c.755A>T, p.Gln252Leu (NM_181524.2); short protein forms Q189L, Q252L, Q282L, Q552L.
Identifiers: ClinVar variation 3758318 (VCV003758318.2).